The following is an entry in ClinVar:

ClinVar aggregate classification (germline): Benign/Likely benign. Review status: criteria provided, multiple submitters, no conflicts (2 of 4 stars). 5 submissions from 5 submitters: Benign (1); Likely benign (3). 1 of the submissions does not count toward it. Last evaluated 2026-02-03.

Conditions:
Fatal mitochondrial disease due to combined oxidative phosphorylation defect type 3. Also called: Combined oxidative phosphorylation deficiency 3; ENCEPHALOMYOPATHY, RESPIRATORY FAILURE, AND LACTIC ACIDOSIS. Identifiers: Orphanet 168566, MedGen C1864840, MONDO:0012512, OMIM 610505.

Allele frequency attached by ClinVar (database versions not stated): gnomAD 0.00001 and 0.00025; TOPMed 0.00002; gnomAD exomes 0.00084; ExAC 0.00138; 1000 Genomes Project 30x 0.00250; 1000 Genomes Project 0.00260.
gnomAD v4.1: 555 of 1,609,960 alleles (0.034%); highest among the groups gnomAD compares: South Asian, 0.58%; 8 homozygotes.

Submissions (5):

Labcorp Genetics (formerly Invitae), Labcorp
Classification: Likely benign. Last evaluated: 2026-02-03. Review status: criteria provided, single submitter. Criteria: Invitae Variant Classification Sherloc (09022015). Collection method: clinical testing. Allele origin: germline.

Mayo Clinic Laboratories, Mayo Clinic
Classification: Benign. Last evaluated: 2024-12-23. Review status: criteria provided, single submitter. Criteria: ACMG Guidelines, 2015. Collection method: clinical testing. Allele origin: germline. Observed: 1 variant allele.
Comment: BS1, BS2

Blueprint Genetics
Classification: Likely benign. Last evaluated: 2024-11-01. Review status: criteria provided, single submitter. Criteria: ACMG Guidelines, 2015. Collection method: clinical testing. Allele origin: germline.

Illumina Laboratory Services, Illumina
Classification: Likely benign for Fatal mitochondrial disease due to combined oxidative phosphorylation defect type 3. Last evaluated: 2018-01-13. Review status: criteria provided, single submitter. Criteria: ICSL Variant Classification Criteria 13 December 2019. Collection method: clinical testing. Allele origin: germline.
Comment: This variant was observed in the ICSL laboratory as part of a predisposition screen in an ostensibly healthy population. It had not been previously curated by ICSL or reported in the Human Gene Mutation Database (HGMD: prior to June 1st, 2018), and was therefore a candidate for classification through an automated scoring system. Utilizing variant allele frequency, disease prevalence and penetrance estimates, and inheritance mode, an automated score was calculated to assess if this variant is too frequent to cause the disease. Based on the score and internal cut-off values, a variant classified as likely benign is not then subjected to further curation. The score for this variant resulted in a classification of likely benign for this disease.

Natera, Inc.
Classification: Likely benign for Combined oxidative phosphorylation deficiency 3. Last evaluated: 2019-12-30. Review status: no assertion criteria provided. Collection method: clinical testing. Allele origin: germline. Not counted in ClinVar's aggregate classification.

NM_005726.6(TSFM):c.271T>G (p.Trp91Gly)

Gene: TSFM (Ts translation elongation factor, mitochondrial; plus strand). Cytogenetic location: 12q14.1.
Variant type: single nucleotide variant.
Coding change: c.271T>G on transcript NM_005726.6 (MANE Select); coding-DNA position 271, T replaced by G.
Protein change: p.Trp91Gly; replaces tryptophan 91 with glycine.
Molecular consequence: missense variant.
Genome position (GRCh38, 1-based): chr12:57,786,202, T>G. VCF-style: chr12-57786202-T-G. GRCh37 (hg19) VCF-style: chr12-58179985-T-G.
Other names: p.Trp91Gly; c.271T>G, p.Trp91Gly (NM_001172696.2, NM_001172695.2, NM_001172697.2); short protein forms W91G.
Identifiers: ClinVar variation 310010 (VCV000310010.20), dbSNP rs542571914, ClinGen allele CA6659311.